The following is an entry in ClinVar:

ClinVar aggregate classification (germline): Likely pathogenic (1 of 4 stars; one submission).

gnomAD v4.1: 2 of 1,614,168 alleles (0.00012%); highest among the groups gnomAD compares: Non-Finnish European, 0.000085%; no homozygotes.

Submission:

GeneDx
Classification: Likely pathogenic. Last evaluated: 2025-07-09. Review status: criteria provided, single submitter. Criteria: GeneDx Variant Classification Process June 2021. Collection method: clinical testing. Allele origin: germline. Affected: yes.
Comment: Not observed at significant frequency in large population cohorts (gnomAD); In silico analysis supports that this missense variant has a deleterious effect on protein structure/function; Has not been previously published as pathogenic or benign to our knowledge

NM_152783.5(D2HGDH):c.797C>T (p.Thr266Ile)

Gene: D2HGDH (D-2-hydroxyglutarate dehydrogenase; plus strand). Cytogenetic location: 2q37.3.
Variant type: single nucleotide variant.
Coding change: c.797C>T on transcript NM_152783.5 (MANE Select); coding-DNA position 797, C replaced by T.
Protein change: p.Thr266Ile; replaces threonine 266 with isoleucine.
Molecular consequence: missense variant. On other transcripts: non-coding transcript variant (1).
Genome position (GRCh38, 1-based): chr2:241,744,821, C>T. VCF-style: chr2-241744821-C-T. GRCh37 (hg19) VCF-style: chr2-242684236-C-T.
Other names: c.395C>T, p.Thr132Ile (NM_001287249.2); c.236C>T, p.Thr79Ile (NM_001352824.2); short protein forms T132I, T266I, T79I.
Identifiers: ClinVar variation 4685138 (VCV004685138.1).